The following is an entry in ClinVar:

ClinVar aggregate classification (germline): Uncertain significance (1 of 4 stars; one submission).

Submission:

GeneDx
Classification: Uncertain significance. Last evaluated: 2022-04-07. Review status: criteria provided, single submitter. Criteria: GeneDx Variant Classification Process June 2021. Collection method: clinical testing. Allele origin: germline. Affected: yes.
Comment: Not observed at significant frequency in large population cohorts (gnomAD); In silico analysis supports that this missense variant has a deleterious effect on protein structure/function; Has not been previously published as pathogenic or benign to our knowledge; This variant is associated with the following publications: (PMID: 22982744)

NM_001365902.3(NFIX):c.410T>C (p.Phe137Ser)

Gene: NFIX (nuclear factor I X; plus strand). Cytogenetic location: 19p13.13.
Variant type: single nucleotide variant.
Coding change: c.410T>C on transcript NM_001365902.3 (MANE Select); coding-DNA position 410, T replaced by C.
Protein change: p.Phe137Ser; replaces phenylalanine 137 with serine.
Molecular consequence: missense variant.
Genome position (GRCh38, 1-based): chr19:13,025,403, T>C. VCF-style: chr19-13025403-T-C. GRCh37 (hg19) VCF-style: chr19-13136217-T-C.
Other names: c.434T>C, p.Phe145Ser (NM_001271043.2); c.386T>C, p.Phe129Ser (NM_001271044.3, NM_001378404.1); c.410T>C, p.Phe137Ser (NM_001365982.2, NM_002501.4); c.269T>C, p.Phe90Ser (NM_001365983.2); c.407T>C, p.Phe136Ser (NM_001365984.2, NM_001365985.2); c.458T>C, p.Phe153Ser (NM_001378405.1); short protein forms F129S, F136S, F137S, F145S, F153S, F90S.
Identifiers: ClinVar variation 1708760 (VCV001708760.2), dbSNP rs2512746375, ClinGen allele CA404315010.